The following is an entry in ClinVar:

NM_004336.5(BUB1):c.2925G>C (p.Glu975Asp)

Gene: BUB1 (BUB1 mitotic checkpoint serine/threonine kinase; minus strand). Cytogenetic location: 2q13.
Variant type: single nucleotide variant.
Coding change: c.2925G>C on transcript NM_004336.5 (MANE Select); coding-DNA position 2925, G replaced by C.
Protein change: p.Glu975Asp; replaces glutamic acid 975 with aspartic acid.
Molecular consequence: missense variant.
Genome position (GRCh38, 1-based): chr2:110,641,064, C>G on the plus strand (G>C on the coding strand, the complement: BUB1 is on the minus strand). VCF-style: chr2-110641064-C-G. GRCh37 (hg19) VCF-style: chr2-111398641-C-G.
Other names: c.2865G>C, p.Glu955Asp (NM_001278616.2); c.2754G>C, p.Glu918Asp (NM_001278617.2); short protein forms E955D, E975D, E918D.
Identifiers: ClinVar variation 3483102 (VCV003483102.1).
Genomic context (GRCh38, chr2:110,641,064, plus strand): 5'-ATTTCCAAGTCCCTCACTTTAGTTTTATACCTGGTAGTTCCATGGTTTGTTGCTGAGCAT[C>G]TCAACACACTGAAAACCAGATGTTTCACACTTTGCTGTGAATATAGTTCCTTTTGGAAAA-3'
Protein context (NP_004327.1, residues 965-985): KCETSGFQCV[Glu975Asp]MLSNKPWNYQ

ClinVar aggregate classification (germline): Uncertain significance (1 of 4 stars; one submission).

gnomAD v4.1: 1 of 1,602,230 alleles (0.000062%); highest among the groups gnomAD compares: Non-Finnish European, 0.000085%; no homozygotes.

Submission:

Ambry Genetics
Classification: Uncertain significance. Last evaluated: 2024-11-11. Review status: criteria provided, single submitter. Criteria: Ambry Variant Classification Scheme 2023. Collection method: clinical testing. Allele origin: germline.
Comment: The p.E975D variant (also known as c.2925G>C), located in coding exon 23 of the BUB1 gene, results from a G to C substitution at nucleotide position 2925. The glutamic acid at codon 975 is replaced by aspartic acid, an amino acid with highly similar properties. This amino acid position is conserved. In addition, this alteration is predicted to be deleterious by in silico analysis. Based on the available evidence, the clinical significance of this variant remains unclear.